The following is an entry in ClinVar:

NM_001371928.1(AHDC1):c.4750_4753dup (p.Phe1585fs)

Gene: AHDC1 (AT-hook DNA binding motif containing 1; minus strand). Cytogenetic location: 1p36.11.
Variant type: Duplication.
Coding change: c.4750_4753dup on transcript NM_001371928.1 (MANE Select); coding-DNA positions 4750 to 4753, 4 bases duplicated (GGCT; older notation c.4750_4753dupGGCT).
Protein change: p.Phe1585fs; shifts the reading frame from phenylalanine 1585.
Molecular consequence: frameshift variant.
Genome position (GRCh38, 1-based): chr1:27,547,363-27,547,366, AGCC duplicated on the plus strand (GGCT on the coding strand, the reverse complement: AHDC1 is on the minus strand). VCF-style (leftmost placement, unchanged base first): chr1-27547362-A-AAGCC. GRCh37 (hg19) VCF-style: chr1-27873873-A-AAGCC.
Other names: c.4750_4753dup, p.Phe1585fs (NM_001029882.3); c.706_709dup, p.Phe237Trpfs (NM_015699.1); short protein forms F1585fs.
Identifiers: ClinVar variation 2767822 (VCV002767822.3), dbSNP rs2521767531, ClinGen allele CA2697552306.

ClinVar aggregate classification (germline): Pathogenic (1 of 4 stars; one submission).

Submission:

Labcorp Genetics (formerly Invitae), Labcorp
Classification: Pathogenic. Last evaluated: 2024-09-30. Review status: criteria provided, single submitter. Criteria: Invitae Variant Classification Sherloc (09022015). Collection method: clinical testing. Allele origin: germline.
Comment: This sequence change results in a frameshift in the AHDC1 gene (p.Phe1585Trpfs*108). While this is not anticipated to result in nonsense mediated decay, it is expected to disrupt the last 19 amino acid(s) of the AHDC1 protein and extend the protein by 88 additional amino acid residues. This variant is not present in population databases (gnomAD no frequency). This frameshift has been observed in individual(s) with AHDC1-related conditions (internal data). In at least one individual the variant was observed to be de novo. Experimental studies and prediction algorithms are not available or were not evaluated, and the functional significance of this variant is currently unknown. For these reasons, this variant has been classified as Pathogenic.